The following is an entry in ClinVar:

NM_000016.6(ACADM):c.233T>C (p.Ile78Thr)

Gene: ACADM (acyl-CoA dehydrogenase medium chain; plus strand). Cytogenetic location: 1p31.1.
Variant type: single nucleotide variant.
Coding change: c.233T>C on transcript NM_000016.6 (MANE Select); coding-DNA position 233, T replaced by C.
Protein change: p.Ile78Thr; replaces isoleucine 78 with threonine.
Molecular consequence: missense variant. On other transcripts: 5 prime UTR variant (1).
Genome position (GRCh38, 1-based): chr1:75,732,869, T>C. VCF-style: chr1-75732869-T-C. GRCh37 (hg19) VCF-style: chr1-76198554-T-C.
Other names: p.I78T:ATT>ACT; c.245T>C, p.Ile82Thr (NM_001127328.3); c.125T>C, p.Ile42Thr (NM_001286042.2); c.233T>C, p.Ile78Thr (NM_001286043.2); c.-153T>C (NM_001286044.2); short protein forms I78T, I82T, I42T.
Identifiers: ClinVar variation 92261 (VCV000092261.31), dbSNP rs398123074, ClinGen allele CA275237.

ClinVar aggregate classification (germline): Pathogenic. Review status: criteria provided, multiple submitters, no conflicts (2 of 4 stars). 7 submissions from 7 submitters: Pathogenic (7). Last evaluated 2025-12-31.

Conditions:
Medium-chain acyl-coenzyme A dehydrogenase deficiency (ACADMD). Also called: MCAD Deficiency; MCADH DEFICIENCY; MCADD; Medium chain acyl-CoA dehydrogenase deficiency; ACADM DEFICIENCY; CARNITINE DEFICIENCY SECONDARY TO MEDIUM-CHAIN ACYL-CoA DEHYDROGENASE DEFICIENCY. Identifiers: Orphanet 42, MedGen C0220710, MONDO:0008721, OMIM 201450.

Allele frequency attached by ClinVar (database versions not stated): gnomAD exomes 0.00002 and 0.00006; TOPMed 0.00002; gnomAD 0.00002; ExAC 0.00001.
gnomAD v4.1: 92 of 1,613,622 alleles (0.0057%); highest among the groups gnomAD compares: Non-Finnish European, 0.0078%; no homozygotes.

Submissions (7):

Labcorp Genetics (formerly Invitae), Labcorp
Classification: Pathogenic for Medium-chain acyl-coenzyme A dehydrogenase deficiency. Last evaluated: 2025-12-31. Review status: criteria provided, single submitter. Criteria: Invitae Variant Classification Sherloc (09022015). Collection method: clinical testing. Allele origin: germline.
Comment: This sequence change replaces isoleucine, which is neutral and non-polar, with threonine, which is neutral and polar, at codon 78 of the ACADM protein (p.Ile78Thr). This variant is present in population databases (rs398123074, gnomAD 0.006%). This missense change has been observed in individual(s) with medium chain acyl-coA dehydrogenase deficiency (PMID: 15171998, 16737882, 22542437, 22630369, 24623196). In at least one individual the data is consistent with being in trans (on the opposite chromosome) from a pathogenic variant. ClinVar contains an entry for this variant (Variation ID: 92261). Invitae Evidence Modeling of protein sequence and biophysical properties (such as structural, functional, and spatial information, amino acid conservation, physicochemical variation, residue mobility, and thermodynamic stability) indicates that this missense variant is not expected to disrupt ACADM protein function with a negative predictive value of 80%. For these reasons, this variant has been classified as Pathogenic.

Natera, Inc.
Classification: Pathogenic for Medium Chain Acyl-CoA Dehydrogenase Deficiency. Last evaluated: 2025-11-18. Review status: criteria provided, single submitter. Criteria: Natera Variant Classification Schema (03/2026). Collection method: clinical testing. Allele origin: germline.
Comment: The c.233T>C variant in ACADM is a missense variant predicted to cause substitution of isoleucine to threonine at amino acid 78. This variant is rare in the general population with a frequency below the threshold expected for the associated phenotype(s). This variant has been observed in one or more individuals affected with the associated recessive disease, as either homozygous or compound heterozygous with a second variant (PMID: 22630369, 36840705). Computational prediction algorithms indicate this variant is likely to affect gene or protein function. Given the available evidence, this variant is classified as Pathogenic.

Baylor Genetics
Classification: Pathogenic for Medium-chain acyl-coenzyme A dehydrogenase deficiency. Last evaluated: 2024-03-20. Review status: criteria provided, single submitter. Criteria: ACMG Guidelines, 2015. Collection method: clinical testing. Allele origin: unknown.

Women's Health and Genetics/Laboratory Corporation of America, LabCorp
Classification: Pathogenic for Medium-chain acyl-coenzyme A dehydrogenase deficiency. Last evaluated: 2022-02-17. Review status: criteria provided, single submitter. Criteria: LabCorp Variant Classification Summary - May 2015. Collection method: clinical testing. Allele origin: germline.
Comment: Variant summary: ACADM c.233T>C (p.Ile78Thr) results in a non-conservative amino acid change located in the Acyl-CoA dehydrogenase/oxidase, N-terminal domain (IPR013786) of the encoded protein sequence. Five of five in-silico tools predict a damaging effect of the variant on protein function. The variant allele was found at a frequency of 2.4e-05 in 251094 control chromosomes. c.233T>C has been reported in the literature both as homozygous and compound heterozygous genotypes in individuals affected with Medium Chain Acyl-CoA Dehydrogenase Deficiency (example, Touw_2012, Derks_2006). These data indicate that the variant is likely to be associated with disease. At least one publication reports experimental evidence evaluating an impact on protein function (example, Touw_2012). The most pronounced variant effect results in <1% of normal MCAD enzyme activity in a homozygous individual affected with classical disease. Two clinical diagnostic laboratories have submitted clinical-significance assessments for this variant to ClinVar after 2014 without evidence for independent evaluation. All laboratories classified the variant as pathogenic. Based on the evidence outlined above, the variant was classified as pathogenic.

Revvity Omics, Revvity
Classification: Pathogenic for Medium-chain acyl-coenzyme A dehydrogenase deficiency. Last evaluated: 2021-11-12. Review status: criteria provided, single submitter. Criteria: ACMG Guidelines, 2015. Collection method: clinical testing. Allele origin: germline.

GeneDx
Classification: Pathogenic. Last evaluated: 2021-08-26. Review status: criteria provided, single submitter. Criteria: GeneDx Variant Classification Process June 2021. Collection method: clinical testing. Allele origin: germline. Affected: yes.
Comment: Expression studies found that I78T is associated with a considerable decrease in MCAD enzyme activity compared to the wild-type protein (Andresen et al., 2001); Not observed at a significant frequency in large population cohorts (Lek et al., 2016); In silico analysis supports that this missense variant has a deleterious effect on protein structure/function; This variant is associated with the following publications: (PMID: 23028790, 11349232, 24623196, 31012112, 22542437, 24718418, 20434380, 27760515, 27477829, 22630369, 25525159, 16737882, 15171998, 18188679)

Eurofins Ntd Llc (ga)
Classification: Pathogenic. Last evaluated: 2013-10-18. Review status: criteria provided, single submitter. Criteria: EGL Classification Definitions. Collection method: clinical testing. Allele origin: germline. Observed: 3 variant alleles, 3 heterozygotes.

Literature cited by the submitters: PubMed 15171998 (cited by Labcorp Genetics (formerly Invitae), Labcorp); PubMed 16737882 (cited by Labcorp Genetics (formerly Invitae), Labcorp and Women's Health and Genetics/Laboratory Corporation of America, LabCorp); PubMed 22542437 (cited by Labcorp Genetics (formerly Invitae), Labcorp); PubMed 22630369 (cited by 3 submitters); PubMed 24623196 (cited by Labcorp Genetics (formerly Invitae), Labcorp); PubMed 36840705 (cited by Natera, Inc.).